The following is an entry in ClinVar:

ClinVar aggregate classification (germline): Benign (1 of 4 stars; one submission).

Conditions:
Polycystic liver disease 2 (PCLD2). Also called: Polycystic liver disease 2 with or without kidney cysts. Identifiers: Orphanet 2924, MedGen C4310769, MONDO:0014860, OMIM 617004.

Allele frequency attached by ClinVar (database versions not stated): TOPMed 0.00359; gnomAD 0.00311 and 0.00328; 1000 Genomes Project 0.00359; 1000 Genomes Project 30x 0.00390.

Submission:

Illumina Laboratory Services, Illumina
Classification: Benign for Polycystic liver disease 2. Last evaluated: 2018-01-13. Review status: criteria provided, single submitter. Criteria: ICSL Variant Classification Criteria 13 December 2019. Collection method: clinical testing. Allele origin: germline.
Comment: This variant was observed in the ICSL laboratory as part of a predisposition screen in an ostensibly healthy population. It had not been previously curated by ICSL or reported in the Human Gene Mutation Database (HGMD: prior to June 1st, 2018), and was therefore a candidate for classification through an automated scoring system. Utilizing variant allele frequency, disease prevalence and penetrance estimates, and inheritance mode, an automated score was calculated to assess if this variant is too frequent to cause the disease. Based on the score and internal cut-off values, a variant classified as benign is not then subjected to further curation. The score for this variant resulted in a classification of benign for this disease.

NM_007214.5(SEC63):c.*2456G>A

Gene: SEC63 (SEC63 homolog, protein translocation regulator; minus strand). Cytogenetic location: 6q21.
Variant type: single nucleotide variant.
Coding change: c.*2456G>A on transcript NM_007214.5 (MANE Select); 2456 bases downstream of the stop codon, G replaced by A.
Molecular consequence: 3 prime UTR variant.
Genome position (GRCh38, 1-based): chr6:107,869,248, C>T on the plus strand (G>A on the coding strand, the complement: SEC63 is on the minus strand). VCF-style: chr6-107869248-C-T. GRCh37 (hg19) VCF-style: chr6-108190452-C-T.
Identifiers: ClinVar variation 354848 (VCV000354848.5), dbSNP rs151325651, ClinGen allele CA10625579.
Genomic context (GRCh38, chr6:107,869,248, plus strand): 5'-GCTCCCTAACTTAAAAAAAAAATTATGAAAAATGTTTAAAAAATTCAAAAAGGACATGAA[C>T]ATCTAACTCTGAGATTGAGATATTAACACCTCAGGGCCTCAATCAAATATTATAATGCTA-3'